The following is an entry in ClinVar:

NM_001177316.2(SLC34A3):c.1566G>A (p.Val522=)

Gene: SLC34A3 (solute carrier family 34 member 3; plus strand). Cytogenetic location: 9q34.3.
Variant type: single nucleotide variant.
Coding change: c.1566G>A on transcript NM_001177316.2 (MANE Select); coding-DNA position 1566, G replaced by A.
Protein change: p.Val522=; no amino-acid change (valine 522 retained).
Molecular consequence: synonymous variant.
Genome position (GRCh38, 1-based): chr9:137,236,182, G>A. VCF-style: chr9-137236182-G-A. GRCh37 (hg19) VCF-style: chr9-140130634-G-A.
Other names: c.1566G>A, p.Val522= (NM_001177317.2, NM_080877.3).
Identifiers: ClinVar variation 3345007 (VCV003345007.1).
Genomic context (GRCh38, chr9:137,236,182, plus strand): 5'-GGCCTTCGGGCTCTCCCTGGCAGGGGGCATGGAGCTGGCCGCTGTCGGGGGTCCCCTGGT[G>A]GGGCTGGTGCTCCTCGTCATCCTGGTTACTGTCCTGCAGCGGCGCCGGCCGGCCTGGCTG-3'
Protein context (NP_001170787.2, residues 512-532): MELAAVGGPL[Val522=]GLVLLVILVT

ClinVar aggregate classification (germline): Likely benign (0 of 4 stars; one submission).

Conditions:
SLC34A3-related disorder. Also called: SLC34A3-related condition.

gnomAD v4.1: 5 of 1,604,764 alleles (0.00031%); highest among the groups gnomAD compares: East Asian, 0.0022%; no homozygotes.

Submission:

PreventionGenetics, part of Exact Sciences
Classification: Likely benign for SLC34A3-related condition. Last evaluated: 2024-04-04. Review status: no assertion criteria provided. Collection method: clinical testing. Allele origin: germline.
Comment: This variant is classified as likely benign based on ACMG/AMP sequence variant interpretation guidelines (Richards et al. 2015 PMID: 25741868, with internal and published modifications).